The following is an entry in ClinVar:

ClinVar aggregate classification (germline): Uncertain significance (1 of 4 stars; one submission).

Conditions:
Duchenne muscular dystrophy (DMD). Also called: MUSCULAR DYSTROPHY, PSEUDOHYPERTROPHIC PROGRESSIVE, DUCHENNE TYPE; Duchenne Muscular Dystrophy (DMD). Identifiers: Orphanet 98896, MedGen C0013264, MONDO:0010679, OMIM 310200.

Submission:

Labcorp Genetics (formerly Invitae), Labcorp
Classification: Uncertain significance for Duchenne muscular dystrophy. Last evaluated: 2025-11-03. Review status: criteria provided, single submitter. Criteria: Invitae Variant Classification Sherloc (09022015). Collection method: clinical testing. Allele origin: germline.
Comment: This variant, c.1923_1955del, results in the deletion of 11 amino acid(s) of the DMD protein (p.Glu641_Trp651del), but otherwise preserves the integrity of the reading frame. This variant is not present in population databases (gnomAD no frequency). This variant has not been reported in the literature in individuals affected with DMD-related conditions. Experimental studies and prediction algorithms are not available or were not evaluated, and the functional significance of this variant is currently unknown. In summary, the available evidence is currently insufficient to determine the role of this variant in disease. Therefore, it has been classified as a Variant of Uncertain Significance.

NM_004006.3(DMD):c.1923_1955del (p.Glu641_Trp651del)

Gene: DMD (dystrophin; minus strand). Cytogenetic location: Xp21.1.
Variant type: Deletion.
Coding change: c.1923_1955del on transcript NM_004006.3 (MANE Select); coding-DNA positions 1923 to 1955, 33 bases deleted.
Protein change: p.Glu641_Trp651del.
Molecular consequence: inframe deletion.
Genome position (GRCh38, 1-based): chrX:32,565,739-32,565,771, 33 bases deleted; deleting any 33 consecutive bases within chrX:32,565,739-32,565,774 gives the same sequence; the c. name uses the placement nearest the transcript's 3' end. GRCh37 (hg19): chrX:32,583,859-32,583,891.
Other names: c.1899_1931del, p.Glu633_Trp643del (NM_000109.4); c.1911_1943del, p.Glu637_Trp647del (NM_004009.3); c.1554_1586del, p.Glu518_Trp528del (NM_004010.3).
Identifiers: ClinVar variation 4730389 (VCV004730389.1).